The following is an entry in ClinVar:

NM_014991.6(WDFY3):c.553C>G (p.Leu185Val)

Gene: WDFY3 (WD repeat and FYVE domain containing 3; minus strand). Cytogenetic location: 4q21.23.
Variant type: single nucleotide variant.
Coding change: c.553C>G on transcript NM_014991.6 (MANE Select); coding-DNA position 553, C replaced by G.
Protein change: p.Leu185Val; replaces leucine 185 with valine.
Molecular consequence: missense variant.
Genome position (GRCh38, 1-based): chr4:84,836,952, G>C on the plus strand (C>G on the coding strand, the complement: WDFY3 is on the minus strand). VCF-style: chr4-84836952-G-C. GRCh37 (hg19) VCF-style: chr4-85758105-G-C.
Other names: short protein forms L185V.
Identifiers: ClinVar variation 4057110 (VCV004057110.1).
Genomic context (GRCh38, chr4:84,836,952, plus strand): 5'-AAATAGGGTGGAGGTAGGCAAATAGCACCTTTCATACCTGTACAAAAACTTTCTGGAGTA[G>C]TCCTCGACGTTCTGCTAGAGGTAGCTCATTCTGTGCACCTCCAACTGCCTCAGGCACATG-3'
Protein context (NP_055806.2, residues 175-195): NELPLAERRG[Leu185Val]LQKVFVQILV

ClinVar aggregate classification (germline): Uncertain significance (1 of 4 stars; one submission).

Submission:

GeneDx
Classification: Uncertain significance. Last evaluated: 2025-01-10. Review status: criteria provided, single submitter. Criteria: GeneDx Variant Classification Process June 2021. Collection method: clinical testing. Allele origin: germline. Affected: yes.
Comment: Not observed at significant frequency in large population cohorts (gnomAD); In silico analysis indicates that this missense variant does not alter protein structure/function; Has not been previously published as pathogenic or benign to our knowledge